The following is an entry in ClinVar:

ClinVar aggregate classification (germline): Pathogenic/Likely pathogenic. Review status: criteria provided, multiple submitters, no conflicts (2 of 4 stars). 2 submissions from 2 submitters: Pathogenic (1); Likely pathogenic (1). Last evaluated 2024-03-21.

Conditions:
McKusick-Kaufman syndrome (MKKS). Also called: HYDROMETROCOLPOS SYNDROME; HYDROMETROCOLPOS, POSTAXIAL POLYDACTYLY, AND CONGENITAL HEART MALFORMATION. Identifiers: Orphanet 2473, MedGen C0948368, MONDO:0009367, OMIM 236700.
Bardet-Biedl syndrome (BBS). Identifiers: Orphanet 110, MedGen C0752166, MONDO:0015229.
Bardet-Biedl syndrome 6 (BBS6). Identifiers: Orphanet 110, MedGen C1858054, MONDO:0011523, OMIM 605231.

Submissions (2):

Fulgent Genetics
Classification: Likely pathogenic for McKusick-Kaufman syndrome; Bardet-Biedl syndrome 6. Last evaluated: 2024-03-21. Review status: criteria provided, single submitter. Criteria: ACMG Guidelines, 2015. Collection method: clinical testing. Allele origin: germline.

Labcorp Genetics (formerly Invitae), Labcorp
Classification: Pathogenic for McKusick-Kaufman syndrome; Bardet-Biedl syndrome. Last evaluated: 2024-03-03. Review status: criteria provided, single submitter. Criteria: Invitae Variant Classification Sherloc (09022015). Collection method: clinical testing. Allele origin: germline.
Comment: This sequence change creates a premature translational stop signal (p.Val457Leufs*5) in the MKKS gene. While this is not anticipated to result in nonsense mediated decay, it is expected to disrupt the last 114 amino acid(s) of the MKKS protein. This variant is not present in population databases (gnomAD no frequency). This variant has not been reported in the literature in individuals affected with MKKS-related conditions. This variant disrupts a region of the MKKS protein in which other variant(s) (p.Ser479*) have been determined to be pathogenic (PMID: 15770229, 33138063). This suggests that this is a clinically significant region of the protein, and that variants that disrupt it are likely to be disease-causing. For these reasons, this variant has been classified as Pathogenic.

Literature cited by the submitters: PubMed 15770229 (cited by Labcorp Genetics (formerly Invitae), Labcorp); PubMed 33138063 (cited by Labcorp Genetics (formerly Invitae), Labcorp).

NM_170784.3(MKKS):c.1368del (p.Val457fs)

Gene: MKKS (MKKS centrosomal shuttling protein; minus strand). Cytogenetic location: 20p12.2.
Variant type: Deletion.
Coding change: c.1368del on transcript NM_170784.3 (MANE Select); coding-DNA position 1368, one base deleted (T; older notation c.1368delT).
Protein change: p.Val457fs; shifts the reading frame from valine 457.
Molecular consequence: frameshift variant. On other transcripts: non-coding transcript variant (1).
Genome position (GRCh38, 1-based): chr20:10,405,592, A deleted on the plus strand (T on the coding strand, the reverse complement: MKKS is on the minus strand). VCF-style (leftmost placement, unchanged base first): chr20-10405591-CA-C. GRCh37 (hg19) VCF-style: chr20-10386239-CA-C.
Other names: c.1368del, p.Val457fs (NM_018848.3); short protein forms V457fs.
Identifiers: ClinVar variation 3587030 (VCV003587030.3).
Genomic context (GRCh38, chr20:10,405,591, plus strand): 5'-GGTGTCCATACTTCATGTCAGTGAGAATTTCACCTCCATCATGTTCTAAAGAGCCAACAA[CA>C]GATTCTAGGGCACTGCAAAATGCTTCAGCAATTAATTGAAGTTCTGTTTGAGTACATTCA-3'